The following is an entry in ClinVar:

ClinVar aggregate classification (germline): Uncertain significance (1 of 4 stars; one submission).

Submission:

GeneDx
Classification: Uncertain significance. Last evaluated: 2024-11-07. Review status: criteria provided, single submitter. Criteria: GeneDx Variant Classification Process June 2021. Collection method: clinical testing. Allele origin: germline. Affected: yes.
Comment: Not observed at significant frequency in large population cohorts (gnomAD); In silico analysis indicates that this missense variant does not alter protein structure/function; Has not been previously published as pathogenic or benign to our knowledge

NM_001257293.2(HNRNPH1):c.755G>A (p.Gly252Asp)

Genes: HNRNPH1 (heterogeneous nuclear ribonucleoprotein H1; minus strand), LOC128966623 (uncharacterized LOC128966623; plus strand). Cytogenetic location: 5q35.3.
Variant type: single nucleotide variant.
Coding change: c.755G>A on transcript NM_001257293.2 (MANE Select); coding-DNA position 755, G replaced by A.
Protein change: p.Gly252Asp; replaces glycine 252 with aspartic acid.
Molecular consequence: missense variant. On other transcripts: intron variant (1).
Genome position (GRCh38, 1-based): chr5:179,618,021, C>T on the plus strand (G>A on the coding strand, the complement: HNRNPH1 is on the minus strand). VCF-style: chr5-179618021-C-T. GRCh37 (hg19) VCF-style: chr5-179045022-C-T.
Other names: c.755G>A, p.Gly252Asp (NM_001363572.2, NM_001364225.2, NM_001364226.2 and 36 more transcripts); c.599G>A, p.Gly200Asp (NM_001364250.2); c.152G>A, p.Gly51Asp (NM_001364251.2, NM_001364252.2, NM_001364253.2 and 4 more transcripts); c.524G>A, p.Gly175Asp (NM_001395190.1); c.437G>A, p.Gly146Asp (NM_001395191.1, NM_001395192.1); c.398-110G>A (NM_001395193.1); short protein forms G146D, G175D, G200D, G252D, G51D.
Identifiers: ClinVar variation 3899067 (VCV003899067.1).